The following is an entry in ClinVar:

ClinVar aggregate classification (germline): Uncertain significance (1 of 4 stars; one submission).

Conditions:
Kabuki syndrome. Also called: NIIKAWA-KUROKI SYNDROME; Kabuki make-up syndrome. Identifiers: Orphanet 2322, MedGen C0796004, MONDO:0016512.

gnomAD v4.1: 1 of 1,613,446 alleles (0.000062%); highest among the groups gnomAD compares: African/African-American, 0.0013%; no homozygotes.

Submission:

Labcorp Genetics (formerly Invitae), Labcorp
Classification: Uncertain significance for Kabuki syndrome. Last evaluated: 2024-03-21. Review status: criteria provided, single submitter. Criteria: Invitae Variant Classification Sherloc (09022015). Collection method: clinical testing. Allele origin: germline.
Comment: This sequence change replaces proline, which is neutral and non-polar, with serine, which is neutral and polar, at codon 3659 of the KMT2D protein (p.Pro3659Ser). This variant is not present in population databases (gnomAD no frequency). This variant has not been reported in the literature in individuals affected with KMT2D-related conditions. Advanced modeling of protein sequence and biophysical properties (such as structural, functional, and spatial information, amino acid conservation, physicochemical variation, residue mobility, and thermodynamic stability) performed at Invitae indicates that this missense variant is not expected to disrupt KMT2D protein function with a negative predictive value of 95%. In summary, the available evidence is currently insufficient to determine the role of this variant in disease. Therefore, it has been classified as a Variant of Uncertain Significance.

NM_003482.4(KMT2D):c.10975C>T (p.Pro3659Ser)

Gene: KMT2D (lysine methyltransferase 2D; minus strand). Cytogenetic location: 12q13.12.
Variant type: single nucleotide variant.
Coding change: c.10975C>T on transcript NM_003482.4 (MANE Select); coding-DNA position 10975, C replaced by T.
Protein change: p.Pro3659Ser; replaces proline 3659 with serine.
Molecular consequence: missense variant.
Genome position (GRCh38, 1-based): chr12:49,033,730, G>A on the plus strand (C>T on the coding strand, the complement: KMT2D is on the minus strand). VCF-style: chr12-49033730-G-A. GRCh37 (hg19) VCF-style: chr12-49427513-G-A.
Other names: short protein forms P3659S.
Identifiers: ClinVar variation 3609488 (VCV003609488.2).